The following is an entry in ClinVar:

ClinVar aggregate classification (germline): Likely pathogenic (1 of 4 stars; one submission).

Submission:

GeneDx
Classification: Likely pathogenic. Last evaluated: 2025-10-19. Review status: criteria provided, single submitter. Criteria: GeneDx Variant Classification Process June 2021. Collection method: clinical testing. Allele origin: germline.
Comment: Not observed at significant frequency in large population cohorts (gnomAD); In silico analysis supports that this missense variant has a deleterious effect on protein structure/function; Has not been previously published as pathogenic or benign to our knowledge

NM_000937.5(POLR2A):c.2201G>A (p.Arg734Gln)

Gene: POLR2A (RNA polymerase II subunit A; plus strand). Cytogenetic location: 17p13.1.
Variant type: single nucleotide variant.
Coding change: c.2201G>A on transcript NM_000937.5 (MANE Select); coding-DNA position 2201, G replaced by A.
Protein change: p.Arg734Gln; replaces arginine 734 with glutamine.
Molecular consequence: missense variant.
Genome position (GRCh38, 1-based): chr17:7,501,581, G>A. VCF-style: chr17-7501581-G-A. GRCh37 (hg19) VCF-style: chr17-7404900-G-A.
Other names: short protein forms R734Q.
Identifiers: ClinVar variation 3764219 (VCV003764219.2).
Genomic context (GRCh38, chr17:7,501,581, plus strand): 5'-TCCAGGTCATCGAGAAGGCACACAACAATGAGCTGGAGCCCACCCCAGGGAACACTCTGC[G>A]GCAGACGTTTGAGAATCAGGTGAACCGCATTCTTAACGATGCCCGAGACAAGACTGGCTC-3'
Protein context (NP_000928.1, residues 724-744): ELEPTPGNTL[Arg734Gln]QTFENQVNRI